The following is an entry in ClinVar:

ClinVar aggregate classification (germline): Uncertain significance (1 of 4 stars; one submission).

Submission:

Labcorp Genetics (formerly Invitae), Labcorp
Classification: Uncertain significance. Last evaluated: 2024-06-03. Review status: criteria provided, single submitter. Criteria: Invitae Variant Classification Sherloc (09022015). Collection method: clinical testing. Allele origin: germline.
Comment: This sequence change replaces isoleucine, which is neutral and non-polar, with methionine, which is neutral and non-polar, at codon 2004 of the POLE protein (p.Ile2004Met). This variant is not present in population databases (gnomAD no frequency). This variant has not been reported in the literature in individuals affected with POLE-related conditions. Advanced modeling of protein sequence and biophysical properties (such as structural, functional, and spatial information, amino acid conservation, physicochemical variation, residue mobility, and thermodynamic stability) performed at Invitae indicates that this missense variant is not expected to disrupt POLE protein function with a negative predictive value of 80%. In summary, the available evidence is currently insufficient to determine the role of this variant in disease. Therefore, it has been classified as a Variant of Uncertain Significance.

NM_006231.4(POLE):c.6012C>G (p.Ile2004Met)

Gene: POLE (DNA polymerase epsilon, catalytic subunit; minus strand). Cytogenetic location: 12q24.33.
Variant type: single nucleotide variant.
Coding change: c.6012C>G on transcript NM_006231.4 (MANE Select); coding-DNA position 6012, C replaced by G.
Protein change: p.Ile2004Met; replaces isoleucine 2004 with methionine.
Molecular consequence: missense variant.
Genome position (GRCh38, 1-based): chr12:132,632,788, G>C on the plus strand (C>G on the coding strand, the complement: POLE is on the minus strand). VCF-style: chr12-132632788-G-C. GRCh37 (hg19) VCF-style: chr12-133209374-G-C.
Other names: short protein forms I2004M.
Identifiers: ClinVar variation 3655357 (VCV003655357.2).
Genomic context (GRCh38, chr12:132,632,788, plus strand): 5'-GGGGGTGCTCCCTGGAGCACTGCGCCTCAGCCCGTCCTTCATGCAGTGGTACACGGCCAC[G>C]ATGTACGCTGTGGAGAGGCACACACACCACAGGCCCTGAGTCGGGCTGCTGCAAACACCC-3'
Protein context (NP_006222.2, residues 1994-2014): NYFLMIVSAY[Ile2004Met]VAVYHCMKDG